The following is an entry in ClinVar:

ClinVar aggregate classification (germline): Likely benign (0 of 4 stars; one submission).

Conditions:
UCP3-related disorder. Also called: UCP3-related condition.

gnomAD v4.1: 22 of 1,547,742 alleles (0.0014%); highest among the groups gnomAD compares: African/African-American, 0.028%; no homozygotes.

Submission:

PreventionGenetics, part of Exact Sciences
Classification: Likely benign for UCP3-related condition. Last evaluated: 2021-11-01. Review status: no assertion criteria provided. Collection method: clinical testing. Allele origin: germline.
Comment: This variant is classified as likely benign based on ACMG/AMP sequence variant interpretation guidelines (Richards et al. 2015 PMID: 25741868, with internal and published modifications).

NM_003356.4(UCP3):c.127-10T>C

Gene: UCP3 (uncoupling protein 3; minus strand). Cytogenetic location: 11q13.4.
Variant type: single nucleotide variant.
Coding change: c.127-10T>C on transcript NM_003356.4 (MANE Select); 10 bases into the intron before coding-DNA position 127, T replaced by C.
Molecular consequence: intron variant.
Genome position (GRCh38, 1-based): chr11:74,006,389, A>G on the plus strand (T>C on the coding strand, the complement: UCP3 is on the minus strand). VCF-style: chr11-74006389-A-G. GRCh37 (hg19) VCF-style: chr11-73717434-A-G.
Other names: c.127-10T>C (NM_022803.3).
Identifiers: ClinVar variation 3358751 (VCV003358751.1).